The following is an entry in ClinVar:

ClinVar aggregate classification (germline): Conflicting classifications of pathogenicity. Review status: criteria provided, conflicting classifications (1 of 4 stars). 7 submissions from 6 submitters: Uncertain significance (2); Likely benign (4). 1 of the submissions does not count toward it. Last evaluated 2026-01-11.

Conditions:
SLC26A4-related disorder. Also called: SLC26A4-related condition; SLC26A4-related disorders.
Inborn genetic diseases. Identifiers: MedGen C0950123, MeSH D030342.
Pendred syndrome (PDS). Also called: Pendred's syndrome; DEAFNESS WITH GOITER; GOITER-DEAFNESS SYNDROME; HYPOTHYROIDISM, CONGENITAL, DUE TO DYSHORMONOGENESIS, 2B; Pendred Syndrome (PDS); THYROID DYSHORMONOGENESIS 2B. Identifiers: Orphanet 705, MedGen C0271829, MONDO:0010134, OMIM 274600.
Autosomal recessive nonsyndromic hearing loss 4 (DFNB4). Also called: Deafness, autosomal recessive 4, with enlarged vestibular aqueduct; NEUROSENSORY NONSYNDROMIC RECESSIVE DEAFNESS 4; Nonsyndromic enlarged vestibular aqueduct (NSEVA); FOXI1-Related Pendred Syndrome; KCNJ10-Related Pendred Syndrome; Enlarged vestibular aqueduct, digenic. Identifiers: Orphanet 90636, MedGen C3538946, MONDO:0010933, OMIM 600791.

Allele frequency attached by ClinVar (database versions not stated): gnomAD 0.00006 and 0.00007; TOPMed 0.00009; gnomAD exomes 0.00011; ExAC 0.00012; 1000 Genomes Project 30x 0.00031; 1000 Genomes Project 0.00040.
gnomAD v4.1: 44 of 1,593,698 alleles (0.0028%); highest among the groups gnomAD compares: East Asian, 0.094%; no homozygotes.

Submissions (7):

Labcorp Genetics (formerly Invitae), Labcorp
Classification: Likely benign. Last evaluated: 2026-01-11. Review status: criteria provided, single submitter. Criteria: Invitae Variant Classification Sherloc (09022015). Collection method: clinical testing. Allele origin: germline.

PreventionGenetics, part of Exact Sciences
Classification: Uncertain significance for SLC26A4-related condition. Last evaluated: 2025-01-08. Review status: criteria provided, single submitter. Criteria: ACMG Guidelines, 2015. Collection method: clinical testing. Allele origin: germline.
Comment: The SLC26A4 c.2283A>G variant is not predicted to result in an amino acid change (p.=). This variant is predicted to alter splicing based on available splicing prediction software (SpliceAI, Jaganathan et al. 2019. PubMed ID: 30661751). However, the use of computer prediction softwares is not equivalent to functional evidence. This variant was reported in an individual with Hearing loss, however no information was provided, whether additional variants in deafness associated genes were observed in this individual (Table 1, Yuan et al. 2012. PubMed ID: 23185506). This variant is reported in 0.15% of alleles in individuals of East Asian descent in gnomAD. Although we suspect that this variant may be benign, at this time the clinical significance of this variant is uncertain due to the absence of conclusive functional and genetic evidence.

Ambry Genetics
Classification: Likely benign for Inborn genetic diseases. Last evaluated: 2024-03-19. Review status: criteria provided, single submitter. Criteria: Ambry Variant Classification Scheme 2023. Collection method: clinical testing. Allele origin: germline.

Genome-Nilou Lab
Classification: Likely benign for Autosomal recessive nonsyndromic hearing loss 4. Last evaluated: 2021-09-05. Review status: criteria provided, single submitter. Criteria: ACMG Guidelines, 2015. Collection method: clinical testing. Allele origin: germline. Affected: no.

Genome-Nilou Lab
Classification: Likely benign for Pendred syndrome. Last evaluated: 2021-09-05. Review status: criteria provided, single submitter. Criteria: ACMG Guidelines, 2015. Collection method: clinical testing. Allele origin: germline. Affected: no.

Eurofins Ntd Llc (ga)
Classification: Uncertain significance. Last evaluated: 2015-08-30. Review status: criteria provided, single submitter. Criteria: EGL Classification Definitions 2015. Collection method: clinical testing. Allele origin: germline. Observed: 1 variant allele, 1 heterozygote.

Natera, Inc.
Classification: Likely benign for Pendred syndrome. Last evaluated: 2020-09-16. Review status: no assertion criteria provided. Collection method: clinical testing. Allele origin: germline. Not counted in ClinVar's aggregate classification.

NM_000441.2(SLC26A4):c.2283A>G (p.Thr761=)

Gene: SLC26A4 (solute carrier family 26 member 4; plus strand). Cytogenetic location: 7q22.3.
Variant type: single nucleotide variant.
Coding change: c.2283A>G on transcript NM_000441.2 (MANE Select); coding-DNA position 2283, A replaced by G.
Protein change: p.Thr761=; no amino-acid change (threonine 761 retained).
Molecular consequence: synonymous variant.
Genome position (GRCh38, 1-based): chr7:107,712,586, A>G. VCF-style: chr7-107712586-A-G. GRCh37 (hg19) VCF-style: chr7-107353031-A-G.
Identifiers: ClinVar variation 282912 (VCV000282912.21), dbSNP rs202033028, ClinGen allele CA4433106.